The following is an entry in ClinVar:

NM_147127.5(EVC2):c.2731C>T (p.Arg911Trp)

Gene: EVC2 (EvC ciliary complex subunit 2; minus strand). Cytogenetic location: 4p16.2.
Variant type: single nucleotide variant.
Coding change: c.2731C>T on transcript NM_147127.5 (MANE Select); coding-DNA position 2731, C replaced by T.
Protein change: p.Arg911Trp; replaces arginine 911 with tryptophan.
Molecular consequence: missense variant.
Genome position (GRCh38, 1-based): chr4:5,615,520, G>A on the plus strand (C>T on the coding strand, the complement: EVC2 is on the minus strand). VCF-style: chr4-5615520-G-A. GRCh37 (hg19) VCF-style: chr4-5617247-G-A.
Other names: c.2491C>T, p.Arg831Trp (NM_001166136.2); c.2731C>T (NM_147127.4); short protein forms R831W, R911W.
Identifiers: ClinVar variation 2199669 (VCV002199669.2), dbSNP rs933706106, ClinGen allele CA91693820.

ClinVar aggregate classification (germline): Uncertain significance. Review status: criteria provided, multiple submitters, no conflicts (2 of 4 stars). 2 submissions from 2 submitters: Uncertain significance (2). Last evaluated 2025-07-02.

Conditions:
Inborn genetic diseases. Identifiers: MedGen C0950123, MeSH D030342.
Curry-Hall syndrome (WAD). Also called: WEYERS ACRODENTAL DYSOSTOSIS. Identifiers: Orphanet 952, MedGen C0457013, MONDO:0008673, OMIM 193530.
Ellis-van Creveld syndrome (EVC). Also called: MESOECTODERMAL DYSPLASIA; EVC-Related Ellis-van Creveld Syndrome; EVC2-Related Ellis-van Creveld Syndrome; Chondroectodermal dysplasia. Identifiers: Orphanet 289, MedGen C0013903, MONDO:0009162, OMIM 225500.

Allele frequency attached by ClinVar (database versions not stated): gnomAD 0.00001; gnomAD exomes 0.00002.
gnomAD v4.1: 37 of 1,614,048 alleles (0.0023%); highest among the groups gnomAD compares: Non-Finnish European, 0.0027%; no homozygotes.

Submissions (2):

Ambry Genetics
Classification: Uncertain significance for Inborn genetic diseases. Last evaluated: 2025-07-02. Review status: criteria provided, single submitter. Criteria: Ambry Variant Classification Scheme 2023. Collection method: clinical testing. Allele origin: germline.

Labcorp Genetics (formerly Invitae), Labcorp
Classification: Uncertain significance for Curry-Hall syndrome; Ellis-van Creveld syndrome. Last evaluated: 2022-02-04. Review status: criteria provided, single submitter. Criteria: Invitae Variant Classification Sherloc (09022015). Collection method: clinical testing. Allele origin: germline.
Comment: This sequence change replaces arginine, which is basic and polar, with tryptophan, which is neutral and slightly polar, at codon 911 of the EVC2 protein (p.Arg911Trp). This variant is not present in population databases (gnomAD no frequency). This variant has not been reported in the literature in individuals affected with EVC2-related conditions. Algorithms developed to predict the effect of missense changes on protein structure and function are either unavailable or do not agree on the potential impact of this missense change (SIFT: "Deleterious"; PolyPhen-2: "Probably Damaging"; Align-GVGD: "Class C0"). In summary, the available evidence is currently insufficient to determine the role of this variant in disease. Therefore, it has been classified as a Variant of Uncertain Significance.